The following is an entry in ClinVar:

NM_006904.7(PRKDC):c.6945G>A (p.Val2315=)

Gene: PRKDC (protein kinase, DNA-activated, catalytic subunit; minus strand). Cytogenetic location: 8q11.21.
Variant type: single nucleotide variant.
Coding change: c.6945G>A on transcript NM_006904.7 (MANE Select); coding-DNA position 6945, G replaced by A.
Protein change: p.Val2315=; no amino-acid change (valine 2315 retained).
Molecular consequence: synonymous variant.
Genome position (GRCh38, 1-based): chr8:47,852,733, C>T on the plus strand (G>A on the coding strand, the complement: PRKDC is on the minus strand). VCF-style: chr8-47852733-C-T. GRCh37 (hg19) VCF-style: chr8-48765294-C-T.
Other names: c.6945G>A, p.Val2315= (NM_001081640.2).
Identifiers: ClinVar variation 4993333 (VCV004993333.1).

ClinVar aggregate classification (germline): Likely benign (1 of 4 stars; one submission).

Conditions:
PRKDC-related disorder. Also called: PRKDC-related condition.

Submission:

PreventionGenetics, part of Exact Sciences
Classification: Likely benign for PRKDC-related condition. Last evaluated: 2026-06-25. Review status: criteria provided, single submitter. Criteria: ACMG Guidelines, 2015. Collection method: clinical testing. Allele origin: germline.
Comment: This variant is classified as likely benign based on ACMG/AMP sequence variant interpretation guidelines (Richards et al. 2015 PMID: 25741868, with internal and published modifications).